The following is an entry in ClinVar:

ClinVar aggregate classification (germline): Likely benign (0 of 4 stars; one submission).

Conditions:
MYOF-related disorder. Also called: MYOF-related condition.

Allele frequency attached by ClinVar (database versions not stated): gnomAD exomes 0.00042; gnomAD 0.00065; TOPMed 0.00071; ExAC 0.00125; 1000 Genomes Project 0.00379; 1000 Genomes Project 30x 0.00422.
gnomAD v4.1: 734 of 1,612,174 alleles (0.046%); highest among the groups gnomAD compares: East Asian, 1.4%; 5 homozygotes.

Submission:

PreventionGenetics, part of Exact Sciences
Classification: Likely benign for MYOF-related condition. Last evaluated: 2020-12-09. Review status: no assertion criteria provided. Collection method: clinical testing. Allele origin: germline.
Comment: This variant is classified as likely benign based on ACMG/AMP sequence variant interpretation guidelines (Richards et al. 2015 PMID: 25741868, with internal and published modifications).

NM_013451.4(MYOF):c.4237C>G (p.Pro1413Ala)

Gene: MYOF (myoferlin; minus strand). Cytogenetic location: 10q23.33.
Variant type: single nucleotide variant.
Coding change: c.4237C>G on transcript NM_013451.4 (MANE Select); coding-DNA position 4237, C replaced by G.
Protein change: p.Pro1413Ala; replaces proline 1413 with alanine.
Molecular consequence: missense variant.
Genome position (GRCh38, 1-based): chr10:93,347,629, G>C on the plus strand (C>G on the coding strand, the complement: MYOF is on the minus strand). VCF-style: chr10-93347629-G-C. GRCh37 (hg19) VCF-style: chr10-95107386-G-C.
Other names: c.4198C>G, p.Pro1400Ala (NM_133337.3); short protein forms P1400A, P1413A.
Identifiers: ClinVar variation 3043658 (VCV003043658.2), dbSNP rs150283160, ClinGen allele CA5607240.
Genomic context (GRCh38, chr10:93,347,629, plus strand): 5'-AAAAAAAAAAGAAAAGCCCCCAGACTTATGCACAGCCTTGCATGTTACCTTTGAGCTGTG[G>C]GACGATGTCCTCTTTCCCTGCATAAGGGTCACAGCGAAAGCGGTCCAGGCGCTCGATGGT-3'
Protein context (NP_038479.1, residues 1403-1423): DPYAGKEDIV[Pro1413Ala]QLKASLLSAP